The following is an entry in ClinVar:

ClinVar aggregate classification (germline): Uncertain significance (1 of 4 stars; one submission).

Conditions:
ALG1-congenital disorder of glycosylation. Also called: CDG Ik; ALG1-CDG; CONGENITAL DISORDER OF GLYCOSYLATION, TYPE Ik. Identifiers: Orphanet 79327, MedGen C2931005, MONDO:0012052, OMIM 608540.

Submission:

Labcorp Genetics (formerly Invitae), Labcorp
Classification: Uncertain significance for ALG1-congenital disorder of glycosylation. Last evaluated: 2022-07-06. Review status: criteria provided, single submitter. Criteria: Invitae Variant Classification Sherloc (09022015). Collection method: clinical testing. Allele origin: germline.
Comment: This sequence change replaces valine with glycine at codon 364 of the ALG1 protein (p.Val364Gly). The valine residue is highly conserved and there is a moderate physicochemical difference between valine and glycine. The frequency data for this variant in the population databases is considered unreliable, as metrics indicate poor data quality at this position in the gnomAD database. This variant has not been reported in the literature in individuals affected with ALG1-related conditions. ClinVar contains an entry for this variant (Variation ID: 1364888). Algorithms developed to predict the effect of missense changes on protein structure and function are either unavailable or do not agree on the potential impact of this missense change (SIFT: "Not Available"; PolyPhen-2: "Probably Damaging"; Align-GVGD: "Not Available"). In summary, the available evidence is currently insufficient to determine the role of this variant in disease. Therefore, it has been classified as a Variant of Uncertain Significance.

NM_019109.5(ALG1):c.1091_1092delinsGG (p.Val364Gly)

Gene: ALG1 (ALG1 chitobiosyldiphosphodolichol beta-mannosyltransferase; plus strand). Cytogenetic location: 16p13.3.
Variant type: Indel.
Coding change: c.1091_1092delinsGG on transcript NM_019109.5 (MANE Select); coding-DNA positions 1091 to 1092, TC replaced by GG.
Protein change: p.Val364Gly; replaces valine 364 with glycine.
Molecular consequence: missense variant.
Genome position (GRCh38, 1-based): chr16:5,082,577-5,082,578, TC replaced by GG. VCF-style: chr16-5082577-TC-GG. GRCh37 (hg19) VCF-style: chr16-5132578-TC-GG.
Other names: c.758_759delinsGG, p.Val253Gly (NM_001330504.2); short protein forms V253G, V364G.
Identifiers: ClinVar variation 1364888 (VCV001364888.3), dbSNP rs2142725608, ClinGen allele CA2573152072.
Genomic context (GRCh38, chr16:5,082,577, plus strand): 5'-GGGCAGAGACCAGTGCTCTGACCCACCCCTCTTGCCTAGCAGGGTCGGCGGACCTGGGTG[TC>GG]TGTCTGCACACGTCCTCCAGTGGCCTGGACCTGCCCATGAAGGTGGTGGACATGTTCGGG-3'
Protein context (NP_061982.3, residues 354-374): PLLLGSADLG[Val364Gly]CLHTSSSGLD